The following is an entry in ClinVar:

ClinVar aggregate classification (germline): Uncertain significance (1 of 4 stars; one submission).

Conditions:
Inborn genetic diseases. Identifiers: MedGen C0950123, MeSH D030342.

Submission:

Ambry Genetics
Classification: Uncertain significance for Inborn genetic diseases. Last evaluated: 2018-09-09. Review status: criteria provided, single submitter. Criteria: Ambry Variant Classification Scheme 2023. Collection method: clinical testing. Allele origin: germline.
Comment: The c.5075_5076delGCinsAA variant, located in coding exon 26 of the SCN8A gene, results from an in-frame deletion of GC and insertion of AA at nucleotide positions 5075 to 5076. This results in the substitution of the glycine residue for a glutamic acid residue at codon 1692, an amino acid with similar properties. This amino acid position is highly conserved in available vertebrate species. In addition, this alteration is predicted to be probably damaging and deleterious by PolyPhen and SIFT in silico analyses, respectively Since supporting evidence is limited at this time, the clinical significance of this alteration remains unclear.

NM_001330260.2(SCN8A):c.5075_5076delinsAA (p.Gly1692Glu)

Gene: SCN8A (sodium voltage-gated channel alpha subunit 8; plus strand). Cytogenetic location: 12q13.13.
Variant type: Indel.
Coding change: c.5075_5076delinsAA on transcript NM_001330260.2 (MANE Select); coding-DNA positions 5075 to 5076, GC replaced by AA.
Protein change: p.Gly1692Glu; replaces glycine 1692 with glutamic acid.
Molecular consequence: missense variant.
Genome position (GRCh38, 1-based): chr12:51,806,561-51,806,562, GC replaced by AA. VCF-style: chr12-51806561-GC-AA. GRCh37 (hg19) VCF-style: chr12-52200345-GC-AA.
Other names: c.4952_4953delinsAA, p.Gly1651Glu (NM_001177984.3, NM_001369788.1); c.5075_5076delinsAA, p.Gly1692Glu (NM_014191.4); short protein forms G1651E, G1692E.
Identifiers: ClinVar variation 1745175 (VCV001745175.2), dbSNP rs2540334154, ClinGen allele CA2580086519.